The following is an entry in ClinVar:

ClinVar aggregate classification (germline): Uncertain significance. Review status: criteria provided, multiple submitters, no conflicts (2 of 4 stars). 2 submissions from 2 submitters: Uncertain significance (2). Last evaluated 2025-07-07.

Conditions:
Inborn genetic diseases. Identifiers: MedGen C0950123, MeSH D030342.
Intellectual disability, autosomal recessive 53 (NEDHSCA). Also called: GLYCOSYLPHOSPHATIDYLINOSITOL BIOSYNTHESIS DEFECT 13; Mental retardation, autosomal recessive 53; NEURODEVELOPMENTAL DISORDER WITH OR WITHOUT HYPOTONIA, SEIZURES, AND CEREBELLAR ATROPHY. Identifiers: Orphanet 488635, MedGen C4310794, MONDO:0014832, OMIM 616917.

Allele frequency attached by ClinVar (database versions not stated): TOPMed 0.00005; ExAC 0.00002; gnomAD 0.00004; gnomAD exomes 0.00003; ESP Exome Variant Server 0.00008.

Submissions (2):

Labcorp Genetics (formerly Invitae), Labcorp
Classification: Uncertain significance for Intellectual disability, autosomal recessive 53. Last evaluated: 2025-07-07. Review status: criteria provided, single submitter. Criteria: Invitae Variant Classification Sherloc (09022015). Collection method: clinical testing. Allele origin: germline.
Comment: This sequence change replaces alanine, which is neutral and non-polar, with threonine, which is neutral and polar, at codon 870 of the PIGG protein (p.Ala870Thr). This variant is present in population databases (rs139140102, gnomAD 0.01%). This variant has not been reported in the literature in individuals affected with PIGG-related conditions. ClinVar contains an entry for this variant (Variation ID: 649482). Invitae Evidence Modeling of protein sequence and biophysical properties (such as structural, functional, and spatial information, amino acid conservation, physicochemical variation, residue mobility, and thermodynamic stability) indicates that this missense variant is not expected to disrupt PIGG protein function with a negative predictive value of 80%. In summary, the available evidence is currently insufficient to determine the role of this variant in disease. Therefore, it has been classified as a Variant of Uncertain Significance.

Ambry Genetics
Classification: Uncertain significance for Inborn genetic diseases. Last evaluated: 2024-05-10. Review status: criteria provided, single submitter. Criteria: Ambry Variant Classification Scheme 2023. Collection method: clinical testing. Allele origin: germline.

NM_001127178.3(PIGG):c.2608G>A (p.Ala870Thr)

Gene: PIGG (phosphatidylinositol glycan anchor biosynthesis class G (EMM blood group); plus strand). Cytogenetic location: 4p16.3.
Variant type: single nucleotide variant.
Coding change: c.2608G>A on transcript NM_001127178.3 (MANE Select); coding-DNA position 2608, G replaced by A.
Protein change: p.Ala870Thr; replaces alanine 870 with threonine.
Molecular consequence: missense variant. On other transcripts: non-coding transcript variant (10).
Genome position (GRCh38, 1-based): chr4:533,854, G>A. VCF-style: chr4-533854-G-A. GRCh37 (hg19) VCF-style: chr4-527643-G-A.
Other names: c.2341G>A, p.Ala781Thr (NM_001289051.2, NM_001345986.2); c.2209G>A, p.Ala737Thr (NM_001289052.2); c.2317G>A, p.Ala773Thr (NM_001345987.2); c.1579G>A, p.Ala527Thr (NM_001345988.2); c.1075G>A, p.Ala359Thr (NM_001345990.2, NM_001345991.2); c.1510G>A, p.Ala504Thr (NM_001345994.2); c.2584G>A, p.Ala862Thr (NM_017733.5); c.2608G>A (NM_001127178.1); short protein forms A527T, A737T, A870T, A359T, A781T, A773T, A504T, A862T.
Identifiers: ClinVar variation 649482 (VCV000649482.9), dbSNP rs139140102, ClinGen allele CA2793694.